The following is an entry in ClinVar:

NM_000492.4(CFTR):c.1618del (p.Val540fs)

Genes: CFTR (CF transmembrane conductance regulator; plus strand), LOC111674475 (CFTR intron 11 enhancer; plus strand). Cytogenetic location: 7q31.2.
Variant type: Deletion.
Coding change: c.1618del on transcript NM_000492.4 (MANE Select); coding-DNA position 1618, one base deleted (G; older notation c.1618delG).
Protein change: p.Val540fs; shifts the reading frame from valine 540.
Molecular consequence: frameshift variant.
Genome position (GRCh38, 1-based): chr7:117,587,772, G deleted. VCF-style (leftmost placement, unchanged base first): chr7-117587771-AG-A. GRCh37 (hg19) VCF-style: chr7-117227825-AG-A.
Other names: short protein forms V540fs.
Identifiers: ClinVar variation 4818478 (VCV004818478.1).

ClinVar aggregate classification (germline): Likely pathogenic (1 of 4 stars; one submission).

Conditions:
CFTR-related disorder (CFTR-RD). Also called: CFTR-related disorders; CFTR-related condition. Identifiers: MedGen C5924204, MONDO:7770004.

Submission:

Natera, Inc.
Classification: Likely pathogenic for CFTR-related disorders. Last evaluated: 2024-05-01. Review status: criteria provided, single submitter. Criteria: Natera Variant Classification Schema (03/2026). Collection method: clinical testing. Allele origin: germline.
Comment: The c.1618delG variant in CFTR is a frameshift variant predicted to shift the reading frame beginning at codon 540 and leads to a stop codon 9 codons downstream. This variant is expected to result in nonsense mediated decay, truncation, or a dysfunctional protein product. This variant is rare in the general population with a frequency below the threshold expected for the associated phenotype(s). Given the available evidence, this variant is classified as Likely Pathogenic.